The following is an entry in ClinVar:

ClinVar aggregate classification (germline): Uncertain significance (1 of 4 stars; one submission).

Submission:

Labcorp Genetics (formerly Invitae), Labcorp
Classification: Uncertain significance. Last evaluated: 2022-07-12. Review status: criteria provided, single submitter. Criteria: Invitae Variant Classification Sherloc (09022015). Collection method: clinical testing. Allele origin: germline.
Comment: This sequence change creates a premature translational stop signal (p.Arg964Glufs*15) in the KIAA1549 gene. It is expected to result in an absent or disrupted protein product. However, the current clinical and genetic evidence is not sufficient to establish whether loss-of-function variants in KIAA1549 cause disease. This variant is not present in population databases (gnomAD no frequency). This variant has not been reported in the literature in individuals affected with KIAA1549-related conditions. In summary, the available evidence is currently insufficient to determine the role of this variant in disease. Therefore, it has been classified as a Variant of Uncertain Significance.

NM_001164665.2(KIAA1549):c.2890del (p.Arg964fs)

Gene: KIAA1549 (KIAA1549; minus strand). Cytogenetic location: 7q34.
Variant type: Deletion.
Coding change: c.2890del on transcript NM_001164665.2 (MANE Select); coding-DNA position 2890, one base deleted (A; older notation c.2890delA).
Protein change: p.Arg964fs; shifts the reading frame from arginine 964.
Molecular consequence: frameshift variant.
Genome position (GRCh38, 1-based): chr7:138,912,449, T deleted on the plus strand (A on the coding strand, the reverse complement: KIAA1549 is on the minus strand); the first of 2 consecutive T bases (chr7:138,912,449-138,912,450); deleting either gives the same sequence. VCF-style (leftmost placement, unchanged base first): chr7-138912448-CT-C. GRCh37 (hg19) VCF-style: chr7-138597194-CT-C.
Other names: c.2890del, p.Arg964fs (NM_020910.3); short protein forms R964fs.
Identifiers: ClinVar variation 2093346 (VCV002093346.4), dbSNP rs2485547808, ClinGen allele CA2580077498.